The following is an entry in ClinVar:

ClinVar aggregate classification (germline): Uncertain significance (1 of 4 stars; one submission).

Conditions:
Familial thoracic aortic aneurysm and aortic dissection (TAAD). Also called: Thoracic aortic aneurysms and dissections. Identifiers: Orphanet 91387, MedGen C4707243, MONDO:0019625.

gnomAD v4.1: 3 of 1,613,976 alleles (0.00019%); highest among the groups gnomAD compares: Non-Finnish European, 0.00025%; no homozygotes.

Submission:

Ambry Genetics
Classification: Uncertain significance for Familial thoracic aortic aneurysm and aortic dissection. Last evaluated: 2024-10-25. Review status: criteria provided, single submitter. Criteria: Ambry Variant Classification Scheme 2023. Collection method: clinical testing. Allele origin: germline.
Comment: The p.A1227S variant (also known as c.3679G>T), located in coding exon 18 of the MYLK gene, results from a G to T substitution at nucleotide position 3679. The alanine at codon 1227 is replaced by serine, an amino acid with similar properties. This amino acid position is conserved. In addition, this alteration is predicted to be tolerated by in silico analysis. Based on the available evidence, the clinical significance of this variant remains unclear.

NM_053025.4(MYLK):c.3679G>T (p.Ala1227Ser)

Gene: MYLK (myosin light chain kinase; minus strand). Cytogenetic location: 3q21.1.
Variant type: single nucleotide variant.
Coding change: c.3679G>T on transcript NM_053025.4 (MANE Select); coding-DNA position 3679, G replaced by T.
Protein change: p.Ala1227Ser; replaces alanine 1227 with serine.
Molecular consequence: missense variant.
Genome position (GRCh38, 1-based): chr3:123,667,161, C>A on the plus strand (G>T on the coding strand, the complement: MYLK is on the minus strand). VCF-style: chr3-123667161-C-A. GRCh37 (hg19) VCF-style: chr3-123386008-C-A.
Other names: c.3151G>T, p.Ala1051Ser (NM_001321309.2); c.3472G>T, p.Ala1158Ser (NM_053026.4, NM_053028.4); c.3679G>T, p.Ala1227Ser (NM_053027.4); short protein forms A1158S, A1227S, A1051S.
Identifiers: ClinVar variation 3401117 (VCV003401117.1).
Genomic context (GRCh38, chr3:123,667,161, plus strand): 5'-ACTTCTTTGACCCCAGATAGTGCCGTGGCCAATTACCTGCCTTCGGAGGTGTCTTGGGGG[C>A]AGGTTTCTTTTTCACAGTCGCATCACCTGAAACAAAGAAGTTCACAAGTTATTTCCTGTA-3'
Protein context (NP_444253.3, residues 1217-1237): ESDATVKKKP[Ala1227Ser]PKTPPKAAMP